The following is an entry in ClinVar:

NM_144997.7(FLCN):c.875T>A (p.Leu292Ter)

Gene: FLCN (folliculin; minus strand). Cytogenetic location: 17p11.2.
Variant type: single nucleotide variant.
Coding change: c.875T>A on transcript NM_144997.7 (MANE Select); coding-DNA position 875, T replaced by A.
Protein change: p.Leu292Ter; replaces leucine 292 with a stop codon.
Molecular consequence: nonsense.
Genome position (GRCh38, 1-based): chr17:17,219,206, A>T on the plus strand (T>A on the coding strand, the complement: FLCN is on the minus strand). VCF-style: chr17-17219206-A-T. GRCh37 (hg19) VCF-style: chr17-17122520-A-T.
Other names: c.929T>A, p.Leu310Ter (NM_001353229.2); c.875T>A, p.Leu292Ter (NM_001353230.2, NM_001353231.2); short protein forms L292*, L310*.
Identifiers: ClinVar variation 3701575 (VCV003701575.2).

ClinVar aggregate classification (germline): Pathogenic (1 of 4 stars; one submission).

Conditions:
Birt-Hogg-Dube syndrome. Also called: Birt Hogg Dubé syndrome. Identifiers: Orphanet 122, MedGen C0346010, MONDO:0800444.

Submission:

Labcorp Genetics (formerly Invitae), Labcorp
Classification: Pathogenic for Birt-Hogg-Dube syndrome. Last evaluated: 2024-05-28. Review status: criteria provided, single submitter. Criteria: Invitae Variant Classification Sherloc (09022015). Collection method: clinical testing. Allele origin: germline.
Comment: This sequence change creates a premature translational stop signal (p.Leu292*) in the FLCN gene. It is expected to result in an absent or disrupted protein product. Loss-of-function variants in FLCN are known to be pathogenic (PMID: 15852235). This variant is not present in population databases (gnomAD no frequency). This variant has not been reported in the literature in individuals affected with FLCN-related conditions. For these reasons, this variant has been classified as Pathogenic.

Literature cited by the submitters: PubMed 15852235.